The following is an entry in ClinVar:

NM_001367561.1(DOCK7):c.4384A>G (p.Arg1462Gly)

Gene: DOCK7 (dedicator of cytokinesis 7; minus strand). Cytogenetic location: 1p31.3.
Variant type: single nucleotide variant.
Coding change: c.4384A>G on transcript NM_001367561.1 (MANE Select); coding-DNA position 4384, A replaced by G.
Protein change: p.Arg1462Gly; replaces arginine 1462 with glycine.
Molecular consequence: missense variant.
Genome position (GRCh38, 1-based): chr1:62,508,054, T>C on the plus strand (A>G on the coding strand, the complement: DOCK7 is on the minus strand). VCF-style: chr1-62508054-T-C. GRCh37 (hg19) VCF-style: chr1-62973725-T-C.
Other names: c.4357A>G, p.Arg1453Gly (NM_001271999.2, NM_001330614.2); c.4264A>G, p.Arg1422Gly (NM_001272000.2, NM_001272001.2); c.4291A>G, p.Arg1431Gly (NM_033407.4); short protein forms R1422G, R1431G, R1453G, R1462G.
Identifiers: ClinVar variation 1001624 (VCV001001624.5), dbSNP rs763342949, ClinGen allele CA885707.

ClinVar aggregate classification (germline): Conflicting classifications of pathogenicity. Review status: criteria provided, conflicting classifications (1 of 4 stars). 2 submissions from 2 submitters: Uncertain significance (1); Likely benign (1). Last evaluated 2024-09-20.

Conditions:
Developmental and epileptic encephalopathy, 23 (DEE23). Also called: Epileptic encephalopathy, early infantile, 23. Identifiers: Orphanet 411986, MedGen C4014492, MONDO:0014371, OMIM 615859.

Allele frequency attached by ClinVar (database versions not stated): gnomAD exomes below 0.00001 and 0.00001; TOPMed below 0.00001; ExAC 0.00001.

Submissions (2):

3billion
Classification: Likely benign for Developmental and epileptic encephalopathy, 23. Last evaluated: 2024-09-20. Review status: criteria provided, single submitter. Criteria: ACMG Guidelines, 2015. Collection method: clinical testing. Allele origin: germline. Affected: no.
Comment: The homozygous variant was found in patients diagnosed with another variant in a different gene, with no symptoms related to the gene containing the homozygous variant.

Labcorp Genetics (formerly Invitae), Labcorp
Classification: Uncertain significance for Developmental and epileptic encephalopathy, 23. Last evaluated: 2022-07-06. Review status: criteria provided, single submitter. Criteria: Invitae Variant Classification Sherloc (09022015). Collection method: clinical testing. Allele origin: germline.
Comment: This sequence change replaces arginine, which is basic and polar, with glycine, which is neutral and non-polar, at codon 1453 of the DOCK7 protein (p.Arg1453Gly). This variant is present in population databases (rs763342949, gnomAD 0.002%). This variant has not been reported in the literature in individuals affected with DOCK7-related conditions. ClinVar contains an entry for this variant (Variation ID: 1001624). Algorithms developed to predict the effect of missense changes on protein structure and function are either unavailable or do not agree on the potential impact of this missense change (SIFT: "Deleterious"; PolyPhen-2: "Benign"; Align-GVGD: "Class C0"). Algorithms developed to predict the effect of sequence changes on RNA splicing suggest that this variant may create or strengthen a splice site. In summary, the available evidence is currently insufficient to determine the role of this variant in disease. Therefore, it has been classified as a Variant of Uncertain Significance.